The following is an entry in ClinVar:

ClinVar aggregate classification (germline): Uncertain significance (1 of 4 stars; one submission).

Conditions:
Ectodermal dysplasia with facial dysmorphism and acral, ocular, and brain anomalies. Also called: ECTODERMAL DYSPLASIA WITH FACIAL DYSMORPHISM AND ACRAL, OCULAR, AND BRAIN ANOMALIES, SOMATIC MOSAIC. Identifiers: MedGen C5231477, MONDO:0032884, OMIM 618727.

Submission:

Clinical Genomics Laboratory, Washington University in St. Louis
Classification: Uncertain significance for Ectodermal dysplasia with facial dysmorphism and acral, ocular, and brain anomalies. Last evaluated: 2026-02-02. Review status: criteria provided, single submitter. Criteria: ACMG Guidelines, 2015. Collection method: clinical testing. Allele origin: germline.
Comment: An RHOA c.581G>A (p.*194=) variant was identified at a near heterozygous allelic fraction of 48%, a frequency which may be consistent with germline origin. This variant, to our knowledge, has not been reported in the medical literature or the ClinVar database. It is absent from the general population (gnomAD v4.1.0), indicating it is not a common variant. Computational predictors suggest that the variant does not impact RHOA function. Due to limited information, and based on ACMG/AMP guidelines for variant interpretation (Richards S et al., PMID: 25741868), the clinical significance of this variant is uncertain at this time.

NM_001664.4(RHOA):c.581G>A (p.Ter194=)

Gene: RHOA (ras homolog family member A; minus strand). Cytogenetic location: 3p21.31.
Variant type: single nucleotide variant.
Coding change: c.581G>A on transcript NM_001664.4 (MANE Select); coding-DNA position 581, G replaced by A.
Protein change: p.Ter194=.
Molecular consequence: synonymous variant. On other transcripts: 3 prime UTR variant (2).
Genome position (GRCh38, 1-based): chr3:49,360,210, C>T on the plus strand (G>A on the coding strand, the complement: RHOA is on the minus strand). VCF-style: chr3-49360210-C-T. GRCh37 (hg19) VCF-style: chr3-49397643-C-T.
Other names: c.581G>A, p.Ter194= (NM_001313941.2); c.*156G>A (NM_001313943.2); c.521G>A, p.Ter174= (NM_001313944.2); c.338G>A, p.Ter113= (NM_001313945.2); c.329G>A, p.Ter110= (NM_001313946.2); c.*187G>A (NM_001313947.2).
Identifiers: ClinVar variation 4974618 (VCV004974618.1).
Genomic context (GRCh38, chr3:49,360,210, plus strand): 5'-AAGATTAATAAACAGCACTTCAAAATTAACCGCATAAGGGCTGTGCTTGCAGCAAGGTTT[C>T]ACAAGACAAGGCACCCAGATTTTTTCTTCCCACGTCTAGCTTGCAGAGCAGCTCTCGTAG-3'